The following is an entry in ClinVar:

NM_000238.4(KCNH2):c.1691T>C (p.Leu564Pro)

Gene: KCNH2 (potassium voltage-gated channel subfamily H member 2; minus strand). Cytogenetic location: 7q36.1.
Variant type: single nucleotide variant.
Coding change: c.1691T>C on transcript NM_000238.4 (MANE Select); coding-DNA position 1691, T replaced by C.
Protein change: p.Leu564Pro; replaces leucine 564 with proline.
Molecular consequence: missense variant.
Genome position (GRCh38, 1-based): chr7:150,951,702, A>G on the plus strand (T>C on the coding strand, the complement: KCNH2 is on the minus strand). VCF-style: chr7-150951702-A-G. GRCh37 (hg19) VCF-style: chr7-150648790-A-G.
Other names: c.1691T>C (LRG_288t1); c.671T>C, p.Leu224Pro (NM_001204798.2, NM_172057.3); c.1403T>C, p.Leu468Pro (NM_001406753.1, NM_001406756.1); c.1514T>C, p.Leu505Pro (NM_001406755.1); c.1391T>C, p.Leu464Pro (NM_001406757.1); c.1691T>C, p.Leu564Pro (NM_172056.3); short protein forms L224P, L564P, L464P, L468P, L505P.
Identifiers: ClinVar variation 67235 (VCV000067235.3), dbSNP rs199472924, ClinGen allele CA005096.

ClinVar aggregate classification (germline): not provided (0 of 4 stars; one submission).

Conditions:
Familial long QT syndrome (RWS). Also called: Congenital long QT syndrome; Romano-Ward syndrome; VENTRICULAR FIBRILLATION WITH PROLONGED QT INTERVAL. Identifiers: Orphanet 768, MedGen C1141890, MONDO:0019171.

Submission:

Cardiovascular Biomedical Research Unit, Royal Brompton & Harefield NHS Foundation Trust
No classification provided. Condition: Familial long QT syndrome. Review status: no classification provided. Collection method: literature only. Allele origin: germline.
Comment: This variant has been reported as associated with Long QT syndrome in the following publications (PMID:10744792). This is a literature report, and does not necessarily reflect the clinical interpretation of the Imperial College / Royal Brompton Cardiovascular Genetics laboratory.

Literature cited by the submitters: PubMed 10744792; PubMed 22581653.